The following is an entry in ClinVar:

ClinVar aggregate classification (germline): Uncertain significance (1 of 4 stars; one submission).

Submission:

ARUP Laboratories, Molecular Genetics and Genomics, ARUP Laboratories
Classification: Uncertain significance. Last evaluated: 2021-04-14. Review status: criteria provided, single submitter. Criteria: ARUP Molecular Germline Variant Investigation Process 2021. Collection method: clinical testing. Allele origin: germline.
Comment: The FKTN c.326A>T; p.Asp109Val variant, to our knowledge, is not reported in the medical literature or gene-specific databases. This variant is also absent from general population databases (Exome Variant Server, Genome Aggregation Database), indicating it is not a common polymorphism. The aspartate at codon 109 is highly conserved, and computational analyses predict that this variant is deleterious (REVEL: 0.82). However, due to limited information, the clinical significance of the p.Asp109Val variant is uncertain at this time.

NM_001079802.2(FKTN):c.326A>T (p.Asp109Val)

Gene: FKTN (fukutin; plus strand). Cytogenetic location: 9q31.2.
Variant type: single nucleotide variant.
Coding change: c.326A>T on transcript NM_001079802.2 (MANE Select); coding-DNA position 326, A replaced by T.
Protein change: p.Asp109Val; replaces aspartic acid 109 with valine.
Molecular consequence: missense variant. On other transcripts: 5 prime UTR variant (4), non-coding transcript variant (2).
Genome position (GRCh38, 1-based): chr9:105,601,305, A>T. VCF-style: chr9-105601305-A-T. GRCh37 (hg19) VCF-style: chr9-108363586-A-T.
Other names: c.326A>T, p.Asp109Val (NM_001198963.2, NM_001351496.2, NM_001351498.2 and 1 more transcripts); c.257A>T, p.Asp86Val (NM_001351497.2); c.-189A>T (NM_001351499.2, NM_001351500.2, NM_001351501.2 and 1 more transcripts); short protein forms D109V, D86V.
Identifiers: ClinVar variation 1330918 (VCV001330918.7), dbSNP rs2132708033, ClinGen allele CA374331746.
Genomic context (GRCh38, chr9:105,601,305, plus strand): 5'-AAGTCAAAAATACTTCTCATGGCTCTACTTCACAATGCAAGTTTTTCTGTGTTCCAAGAG[A>T]CTTTACTGCATTTGCACTGCAGTATCACCTATGGAAGAATGAGGTAAGTGACTTGCTTTC-3'
Protein context (NP_001073270.1, residues 99-119): SQCKFFCVPR[Asp109Val]FTAFALQYHL